The following is an entry in ClinVar:

ClinVar aggregate classification (germline): Conflicting classifications of pathogenicity. Review status: criteria provided, conflicting classifications (1 of 4 stars). 3 submissions from 3 submitters: Uncertain significance (1); Likely benign (1). 1 of the submissions does not count toward it. Last evaluated 2025-10-12.

Conditions:
Congenital microvillous atrophy (DIAR2). Also called: DAVIDSON DISEASE; MICROVILLUS ATROPHY, CONGENITAL; Microvillus inclusion disease; Diarrhea 2 with microvillus atrophy, with or without cholestasis; CONGENITAL FAMILIAL PROTRACTED DIARRHEA WITH ENTEROCYTE BRUSH-BORDER ABNORMALITIES. Identifiers: Orphanet 2290, MedGen C0341306, MONDO:0009635, OMIM 251850.
MYO5B-related disorder. Also called: MYO5B-related condition.

Allele frequency attached by ClinVar (database versions not stated): gnomAD 0.00009 and 0.00010; TOPMed 0.00009; gnomAD exomes 0.00012 and 0.00018; ExAC 0.00017; ESP Exome Variant Server 0.00025; 1000 Genomes Project 30x 0.00031; 1000 Genomes Project 0.00040.
gnomAD v4.1: 281 of 1,606,740 alleles (0.017%); highest among the groups gnomAD compares: Non-Finnish European, 0.022%; no homozygotes.

Submissions (3):

Labcorp Genetics (formerly Invitae), Labcorp
Classification: Likely benign. Last evaluated: 2025-10-12. Review status: criteria provided, single submitter. Criteria: Invitae Variant Classification Sherloc (09022015). Collection method: clinical testing. Allele origin: germline.

Illumina Laboratory Services, Illumina
Classification: Uncertain significance for Congenital microvillous atrophy. Last evaluated: 2018-01-13. Review status: criteria provided, single submitter. Criteria: ICSL Variant Classification Criteria 13 December 2019. Collection method: clinical testing. Allele origin: germline.

PreventionGenetics, part of Exact Sciences
Classification: Likely benign for MYO5B-related condition. Last evaluated: 2024-05-08. Review status: no assertion criteria provided. Collection method: clinical testing. Allele origin: germline. Not counted in ClinVar's aggregate classification.
Comment: This variant is classified as likely benign based on ACMG/AMP sequence variant interpretation guidelines (Richards et al. 2015 PMID: 25741868, with internal and published modifications).

NM_001080467.3(MYO5B):c.2043C>T (p.Cys681=)

Gene: MYO5B (myosin VB; minus strand). Cytogenetic location: 18q21.1.
Variant type: single nucleotide variant.
Coding change: c.2043C>T on transcript NM_001080467.3 (MANE Select); coding-DNA position 2043, C replaced by T.
Protein change: p.Cys681=; no amino-acid change (cysteine 681 retained).
Molecular consequence: synonymous variant.
Genome position (GRCh38, 1-based): chr18:49,929,559, G>A on the plus strand (C>T on the coding strand, the complement: MYO5B is on the minus strand). VCF-style: chr18-49929559-G-A. GRCh37 (hg19) VCF-style: chr18-47455929-G-A.
Identifiers: ClinVar variation 327054 (VCV000327054.14), dbSNP rs2969930, ClinGen allele CA8961251.
Genomic context (GRCh38, chr18:49,929,559, plus strand): 5'-GCACGTTAGTTACCTGGATGGGTAGCCAGCTGCACTGATTCGAATCGTCTCCAACACCCC[G>A]CAGGCTCTGAGTTGCTGCACTGCTCTCTTTGGGTCAAAGCTGCCAAAGGAGAAAAAAAAA-3'
Protein context (NP_001073936.1, residues 671-691): PKRAVQQLRA[Cys681=]GVLETIRISA